The following is an entry in ClinVar:

ClinVar aggregate classification (germline): Uncertain significance. Review status: criteria provided, multiple submitters, no conflicts (2 of 4 stars). 2 submissions from 2 submitters: Uncertain significance (2). Last evaluated 2025-10-18.

Conditions:
Glycogen storage disease type III (GSD3). Also called: Cori disease; FORBES DISEASE. Identifiers: Orphanet 366, MedGen C0017922, MONDO:0009291, OMIM 232400.

Allele frequency attached by ClinVar (database versions not stated): gnomAD 0.00001; ExAC 0.00002; 1000 Genomes Project 30x 0.00016; 1000 Genomes Project 0.00020.
gnomAD v4.1: 1 of 1,613,472 alleles (0.000062%); highest among the groups gnomAD compares: Admixed American, 0.0017%; no homozygotes.

Submissions (2):

Women's Health and Genetics/Laboratory Corporation of America, LabCorp
Classification: Uncertain significance. Last evaluated: 2025-10-18. Review status: criteria provided, single submitter. Criteria: LabCorp Variant Classification Summary - May 2015. Collection method: clinical testing. Allele origin: germline.

Labcorp Genetics (formerly Invitae), Labcorp
Classification: Uncertain significance for Glycogen storage disease type III. Last evaluated: 2021-08-30. Review status: criteria provided, single submitter. Criteria: Invitae Variant Classification Sherloc (09022015). Collection method: clinical testing. Allele origin: germline.
Comment: This sequence change replaces threonine with serine at codon 1017 of the AGL protein (p.Thr1017Ser). The threonine residue is moderately conserved and there is a small physicochemical difference between threonine and serine. This variant is present in population databases (rs534210500, ExAC 0.02%). This variant has not been reported in the literature in individuals affected with AGL-related conditions. Algorithms developed to predict the effect of missense changes on protein structure and function (SIFT, PolyPhen-2, Align-GVGD) all suggest that this variant is likely to be tolerated. In summary, the available evidence is currently insufficient to determine the role of this variant in disease. Therefore, it has been classified as a Variant of Uncertain Significance.

NM_000642.3(AGL):c.3049A>T (p.Thr1017Ser)

Gene: AGL (amylo-alpha-1,6-glucosidase and 4-alpha-glucanotransferase; plus strand). Cytogenetic location: 1p21.2.
Variant type: single nucleotide variant.
Coding change: c.3049A>T on transcript NM_000642.3 (MANE Select); coding-DNA position 3049, A replaced by T.
Protein change: p.Thr1017Ser; replaces threonine 1017 with serine.
Molecular consequence: missense variant.
Genome position (GRCh38, 1-based): chr1:99,891,705, A>T. VCF-style: chr1-99891705-A-T. GRCh37 (hg19) VCF-style: chr1-100357261-A-T.
Other names: c.3049A>T, p.Thr1017Ser (NM_000028.3, NM_000643.3, NM_000644.3 and 1 more transcripts); c.3001A>T, p.Thr1001Ser (NM_000646.3); c.3028A>T, p.Thr1010Ser (NM_001425326.1); c.2848A>T, p.Thr950Ser (NM_001425327.1); c.2845A>T, p.Thr949Ser (NM_001425328.1); c.2710A>T, p.Thr904Ser (NM_001425329.1); c.2671A>T, p.Thr891Ser (NM_001425332.1); short protein forms T1001S, T1017S, T1010S, T891S, T904S, T949S, T950S.
Identifiers: ClinVar variation 2197595 (VCV002197595.2), dbSNP rs534210500, ClinGen allele CA966956.